The following is an entry in ClinVar:

NM_001429.4(EP300):c.1283-9C>T

Gene: EP300 (EP300 lysine acetyltransferase; plus strand). Cytogenetic location: 22q13.2.
Variant type: single nucleotide variant.
Coding change: c.1283-9C>T on transcript NM_001429.4 (MANE Select); 9 bases into the intron before coding-DNA position 1283, C replaced by T.
Molecular consequence: intron variant.
Genome position (GRCh38, 1-based): chr22:41,131,379, C>T. VCF-style: chr22-41131379-C-T. GRCh37 (hg19) VCF-style: chr22-41527383-C-T.
Other names: c.1283-9C>T (NM_001362843.2).
Identifiers: ClinVar variation 3349382 (VCV003349382.2).

ClinVar aggregate classification (germline): Likely benign. Review status: criteria provided, single submitter (1 of 4 stars). 2 submissions from 2 submitters: Likely benign (1). 1 of the submissions does not count toward it. Last evaluated 2022-05-13.

Conditions:
EP300-related disorder. Also called: EP300-related condition; EP300-related disorders.

gnomAD v4.1: 8 of 1,613,164 alleles (0.0005%); highest among the groups gnomAD compares: Non-Finnish European, 0.00068%; no homozygotes.

Submissions (2):

Blueprint Genetics
Classification: Likely benign. Last evaluated: 2022-05-13. Review status: criteria provided, single submitter. Criteria: ACMG Guidelines, 2015. Collection method: clinical testing. Allele origin: germline.

PreventionGenetics, part of Exact Sciences
Classification: Likely benign for EP300-related condition. Last evaluated: 2024-05-10. Review status: no assertion criteria provided. Collection method: clinical testing. Allele origin: germline. Not counted in ClinVar's aggregate classification.
Comment: This variant is classified as likely benign based on ACMG/AMP sequence variant interpretation guidelines (Richards et al. 2015 PMID: 25741868, with internal and published modifications).